The following is an entry in ClinVar:

ClinVar aggregate classification (germline): Likely benign (0 of 4 stars; one submission).

Conditions:
COLGALT1-related disorder. Also called: COLGALT1-related condition.

Allele frequency attached by ClinVar (database versions not stated): TOPMed 0.00004; ExAC 0.00005; gnomAD 0.00005; ESP Exome Variant Server 0.00008.
gnomAD v4.1: 185 of 1,613,802 alleles (0.011%); highest among the groups gnomAD compares: Non-Finnish European, 0.015%; no homozygotes.

Submission:

PreventionGenetics, part of Exact Sciences
Classification: Likely benign for COLGALT1-related condition. Last evaluated: 2023-05-08. Review status: no assertion criteria provided. Collection method: clinical testing. Allele origin: germline.
Comment: This variant is classified as likely benign based on ACMG/AMP sequence variant interpretation guidelines (Richards et al. 2015 PMID: 25741868, with internal and published modifications).

NM_024656.4(COLGALT1):c.949+3G>A

Gene: COLGALT1 (collagen beta(1-O)galactosyltransferase 1; plus strand). Cytogenetic location: 19p13.11.
Variant type: single nucleotide variant.
Coding change: c.949+3G>A on transcript NM_024656.4 (MANE Select); 3 bases into the intron after coding-DNA position 949, G replaced by A.
Molecular consequence: intron variant.
Genome position (GRCh38, 1-based): chr19:17,572,605, G>A. VCF-style: chr19-17572605-G-A. GRCh37 (hg19) VCF-style: chr19-17683414-G-A.
Identifiers: ClinVar variation 3036299 (VCV003036299.2), dbSNP rs200677529, ClinGen allele CA9297088.